The following is an entry in ClinVar:

ClinVar aggregate classification (germline): Uncertain significance (1 of 4 stars; one submission).

Conditions:
Inborn genetic diseases. Identifiers: MedGen C0950123, MeSH D030342.

Submission:

Ambry Genetics
Classification: Uncertain significance for Inborn genetic diseases. Last evaluated: 2025-09-21. Review status: criteria provided, single submitter. Criteria: Ambry Variant Classification Scheme 2023. Collection method: clinical testing. Allele origin: germline.
Comment: The p.A922V variant (also known as c.2765C>T), located in coding exon 24 of the ANKRD26 gene, results from a C to T substitution at nucleotide position 2765. The alanine at codon 922 is replaced by valine, an amino acid with similar properties. This amino acid position is conserved. In addition, this alteration is predicted to be tolerated by in silico analysis. Based on the available evidence, the clinical significance of this variant remains unclear.

NM_014915.3(ANKRD26):c.2765C>T (p.Ala922Val)

Gene: ANKRD26 (ankyrin repeat domain 26; minus strand). Cytogenetic location: 10p12.1.
Variant type: single nucleotide variant.
Coding change: c.2765C>T on transcript NM_014915.3 (MANE Select); coding-DNA position 2765, C replaced by T.
Protein change: p.Ala922Val; replaces alanine 922 with valine.
Molecular consequence: missense variant.
Genome position (GRCh38, 1-based): chr10:27,035,685, G>A on the plus strand (C>T on the coding strand, the complement: ANKRD26 is on the minus strand). VCF-style: chr10-27035685-G-A. GRCh37 (hg19) VCF-style: chr10-27324614-G-A.
Other names: c.2762C>T, p.Ala921Val (NM_001256053.2); short protein forms A921V, A922V.
Identifiers: ClinVar variation 4578849 (VCV004578849.1).